The following is an entry in ClinVar:

NM_000780.4(CYP7A1):c.789C>G (p.Leu263=)

Gene: CYP7A1 (cytochrome P450 family 7 subfamily A member 1; minus strand). Cytogenetic location: 8q12.1.
Variant type: single nucleotide variant.
Coding change: c.789C>G on transcript NM_000780.4 (MANE Select); coding-DNA position 789, C replaced by G.
Protein change: p.Leu263=; no amino-acid change (leucine 263 retained).
Molecular consequence: synonymous variant.
Genome position (GRCh38, 1-based): chr8:58,496,723, G>C on the plus strand (C>G on the coding strand, the complement: CYP7A1 is on the minus strand). VCF-style: chr8-58496723-G-C. GRCh37 (hg19) VCF-style: chr8-59409282-G-C.
Identifiers: ClinVar variation 4980553 (VCV004980553.1).

ClinVar aggregate classification (germline): Likely benign (1 of 4 stars; one submission).

Conditions:
CYP7A1-related disorder. Also called: CYP7A1-related condition.

gnomAD v4.1: 8 of 1,614,194 alleles (0.0005%); highest among the groups gnomAD compares: Middle Eastern, 0.016%; no homozygotes.

Submission:

PreventionGenetics, part of Exact Sciences
Classification: Likely benign for CYP7A1-related condition. Last evaluated: 2025-01-19. Review status: criteria provided, single submitter. Criteria: ACMG Guidelines, 2015. Collection method: clinical testing. Allele origin: germline.
Comment: This variant is classified as likely benign based on ACMG/AMP sequence variant interpretation guidelines (Richards et al. 2015 PMID: 25741868, with internal and published modifications).